The following is an entry in ClinVar:

NC_000017.10:g.(?_29508434)_(29509689_?)del

Gene: NF1 (neurofibromin 1; plus strand). Cytogenetic location: 17q11.2.
Variant type: Deletion.
Identifiers: ClinVar variation 457506 (VCV000457506.1).

ClinVar aggregate classification (germline): Pathogenic (1 of 4 stars; one submission).

Conditions:
Neurofibromatosis, type 1 (NF1). Also called: VON RECKLINGHAUSEN DISEASE; NEUROFIBROMATOSIS, TYPE I, SOMATIC; Peripheral type neurofibromatosis; Neurofibromatosis, type I. Identifiers: Orphanet 636, MedGen C0027831, MONDO:0018975, OMIM 162200. Disease mechanism: loss of function.

Submission:

Labcorp Genetics (formerly Invitae), Labcorp
Classification: Pathogenic for Neurofibromatosis, type 1. Last evaluated: 2017-11-29. Review status: criteria provided, single submitter. Criteria: Invitae Variant Classification Sherloc (09022015). Collection method: clinical testing. Allele origin: germline.
Comment: This variant is an out-of-frame deletion of the genomic region encompassing exons 6-8 of the NF1 gene. This creates a premature translational stop signal and is expected to result in an absent or disrupted protein product. Deletion of exons 6-8 has been reported in the literature in an individual affected with neurofibromatosis type 1 (PMID: 26189818). Loss-of-function variants in NF1 are known to be pathogenic (PMID: 10712197, 23913538). For these reasons, this variant has been classified as Pathogenic.

Literature cited by the submitters: PubMed 26189818.